The following is an entry in ClinVar:

ClinVar aggregate classification (germline): Benign. Review status: criteria provided, single submitter (1 of 4 stars). 2 submissions from 2 submitters: Benign (1). 1 of the submissions does not count toward it. Last evaluated 2024-12-02.

Conditions:
AIMP2-related disorder. Also called: AIMP2-related condition.

Allele frequency attached by ClinVar (database versions not stated): gnomAD 0.00012 and 0.00018; ESP Exome Variant Server 0.00015; 1000 Genomes Project 30x 0.00016; 1000 Genomes Project 0.00020; TOPMed 0.00022; gnomAD exomes 0.00042 and 0.00051; ExAC 0.00059.
gnomAD v4.1: 624 of 1,611,516 alleles (0.039%); highest among the groups gnomAD compares: South Asian, 0.22%; 5 homozygotes.

Submissions (2):

Labcorp Genetics (formerly Invitae), Labcorp
Classification: Benign. Last evaluated: 2024-12-02. Review status: criteria provided, single submitter. Criteria: Invitae Variant Classification Sherloc (09022015). Collection method: clinical testing. Allele origin: germline.

PreventionGenetics, part of Exact Sciences
Classification: Likely benign for AIMP2-related condition. Last evaluated: 2019-05-24. Review status: no assertion criteria provided. Collection method: clinical testing. Allele origin: germline. Not counted in ClinVar's aggregate classification.
Comment: This variant is classified as likely benign based on ACMG/AMP sequence variant interpretation guidelines (Richards et al. 2015 PMID: 25741868, with internal and published modifications).

NM_006303.4(AIMP2):c.57G>A (p.Glu19=)

Gene: AIMP2 (aminoacyl tRNA synthetase complex interacting multifunctional protein 2; plus strand). Cytogenetic location: 7p22.1.
Variant type: single nucleotide variant.
Coding change: c.57G>A on transcript NM_006303.4 (MANE Select); coding-DNA position 57, G replaced by A.
Protein change: p.Glu19=; no amino-acid change (glutamic acid 19 retained).
Molecular consequence: synonymous variant. On other transcripts: 5 prime UTR variant (1), intron variant (3).
Genome position (GRCh38, 1-based): chr7:6,009,420, G>A. VCF-style: chr7-6009420-G-A. GRCh37 (hg19) VCF-style: chr7-6049051-G-A.
Other names: c.57G>A, p.Glu19= (NM_001326607.2); c.-264G>A (NM_001326609.2); c.-238+42G>A (NM_001326611.3); c.-251+42G>A (NM_001326610.2); c.15+42G>A (NM_001326606.2); c.57G>A (NM_006303.3).
Identifiers: ClinVar variation 1599860 (VCV001599860.10), dbSNP rs140169208, ClinGen allele CA4150179.